The following is an entry in ClinVar:

NM_144687.4(NLRP12):c.3038C>A (p.Thr1013Lys)

Gene: NLRP12 (NLR family pyrin domain containing 12; minus strand). Cytogenetic location: 19q13.42.
Variant type: single nucleotide variant.
Coding change: c.3038C>A on transcript NM_144687.4 (MANE Select); coding-DNA position 3038, C replaced by A.
Protein change: p.Thr1013Lys; replaces threonine 1013 with lysine.
Molecular consequence: missense variant.
Genome position (GRCh38, 1-based): chr19:53,795,919, G>T on the plus strand (C>A on the coding strand, the complement: NLRP12 is on the minus strand). VCF-style: chr19-53795919-G-T. GRCh37 (hg19) VCF-style: chr19-54299173-G-T.
Other names: c.3041C>A, p.Thr1014Lys (NM_001277126.2); c.2867C>A, p.Thr956Lys (NM_001277129.1); short protein forms T1013K, T1014K, T956K.
Identifiers: ClinVar variation 469094 (VCV000469094.9), dbSNP rs538392013, ClinGen allele CA407407453.

ClinVar aggregate classification (germline): Uncertain significance (1 of 4 stars; one submission).

Conditions:
Familial cold autoinflammatory syndrome 2 (FCAS2). Identifiers: Orphanet 247868, MedGen C2673198, MONDO:0012724, OMIM 611762.

gnomAD v4.1: 1 of 1,614,120 alleles (0.000062%); no homozygotes.

Submission:

Labcorp Genetics (formerly Invitae), Labcorp
Classification: Uncertain significance for Familial cold autoinflammatory syndrome 2. Last evaluated: 2025-01-23. Review status: criteria provided, single submitter. Criteria: Invitae Variant Classification Sherloc (09022015). Collection method: clinical testing. Allele origin: germline.
Comment: This sequence change replaces threonine, which is neutral and polar, with lysine, which is basic and polar, at codon 1013 of the NLRP12 protein (p.Thr1013Lys). This variant is not present in population databases (gnomAD no frequency). This variant has not been reported in the literature in individuals affected with NLRP12-related conditions. ClinVar contains an entry for this variant (Variation ID: 469094). Experimental studies and prediction algorithms are not available or were not evaluated, and the functional significance of this variant is currently unknown. In summary, the available evidence is currently insufficient to determine the role of this variant in disease. Therefore, it has been classified as a Variant of Uncertain Significance.